The following is an entry in ClinVar:

ClinVar aggregate classification (germline): Uncertain significance (1 of 4 stars; one submission).

Conditions:
MYH10-related neurodevelopmental disorder with congenital anomalies. Identifiers: MedGen CN378591, MONDO:0700281.

gnomAD v4.1: 17 of 1,612,490 alleles (0.0011%); highest among the groups gnomAD compares: South Asian, 0.0033%; no homozygotes.

Submission:

Clinical Genetics Laboratory, University Hospital Schleswig-Holstein
Classification: Uncertain significance for MYH10-related neurodevelopmental disorder with congenital anomalies. Last evaluated: 2025-04-08. Review status: criteria provided, single submitter. Criteria: ACMG Guidelines, 2015. Collection method: clinical testing. Allele origin: paternal. Affected: yes. Observed: 1 heterozygote.
Comment: ACMG criteria applied: PP3

Literature cited by the submitters: PubMed 35980381.

NM_001256012.3(MYH10):c.5068C>T (p.Arg1690Cys)

Gene: MYH10 (myosin heavy chain 10; minus strand). Cytogenetic location: 17p13.1.
Variant type: single nucleotide variant.
Coding change: c.5068C>T on transcript NM_001256012.3 (MANE Select); coding-DNA position 5068, C replaced by T.
Protein change: p.Arg1690Cys; replaces arginine 1690 with cysteine.
Molecular consequence: missense variant.
Genome position (GRCh38, 1-based): chr17:8,484,245, G>A on the plus strand (C>T on the coding strand, the complement: MYH10 is on the minus strand). VCF-style: chr17-8484245-G-A. GRCh37 (hg19) VCF-style: chr17-8387563-G-A.
Other names: c.5002C>T, p.Arg1668Cys (NM_001256095.2); c.5005C>T, p.Arg1669Cys (NM_001375266.1); c.4975C>T, p.Arg1659Cys (NM_005964.5); short protein forms R1659C, R1668C, R1669C, R1690C.
Identifiers: ClinVar variation 5042056 (VCV005042056.1).
Genomic context (GRCh38, chr17:8,484,245, plus strand): 5'-CACTCTCTTTGGATTGAGCAAAAATCTCATCTCTGGATGCACGAGCTTCTTCTAATTCAC[G>A]TTGGTAATCCTTCATCTGAGCCTAAGATTAAATAAGAAGGTTTTGGGGTGGTTTACATTC-3'
Protein context (NP_001242941.1, residues 1680-1700): KLQAQMKDYQ[Arg1690Cys]ELEEARASRD